The following is an entry in ClinVar:

NM_001457.4(FLNB):c.1425C>G (p.Phe475Leu)

Gene: FLNB (filamin B; plus strand). Cytogenetic location: 3p14.3.
Variant type: single nucleotide variant.
Coding change: c.1425C>G on transcript NM_001457.4 (MANE Select); coding-DNA position 1425, C replaced by G.
Protein change: p.Phe475Leu; replaces phenylalanine 475 with leucine.
Molecular consequence: missense variant.
Genome position (GRCh38, 1-based): chr3:58,102,282, C>G. VCF-style: chr3-58102282-C-G. GRCh37 (hg19) VCF-style: chr3-58088009-C-G.
Other names: c.1425C>G, p.Phe475Leu (NM_001164317.2, NM_001164318.2, NM_001164319.2); short protein forms F475L.
Identifiers: ClinVar variation 3696049 (VCV003696049.2).

ClinVar aggregate classification (germline): Uncertain significance (1 of 4 stars; one submission).

Submission:

Labcorp Genetics (formerly Invitae), Labcorp
Classification: Uncertain significance. Last evaluated: 2024-05-04. Review status: criteria provided, single submitter. Criteria: Invitae Variant Classification Sherloc (09022015). Collection method: clinical testing. Allele origin: germline.
Comment: This sequence change replaces phenylalanine, which is neutral and non-polar, with leucine, which is neutral and non-polar, at codon 475 of the FLNB protein (p.Phe475Leu). This variant is not present in population databases (gnomAD no frequency). This variant has not been reported in the literature in individuals affected with FLNB-related conditions. Advanced modeling of protein sequence and biophysical properties (such as structural, functional, and spatial information, amino acid conservation, physicochemical variation, residue mobility, and thermodynamic stability) performed at Invitae indicates that this missense variant is not expected to disrupt FLNB protein function with a negative predictive value of 95%. In summary, the available evidence is currently insufficient to determine the role of this variant in disease. Therefore, it has been classified as a Variant of Uncertain Significance.